The following is an entry in ClinVar:

NM_014855.3(AP5Z1):c.715A>T (p.Asn239Tyr)

Gene: AP5Z1 (adaptor related protein complex 5 subunit zeta 1; plus strand). Cytogenetic location: 7p22.1.
Variant type: single nucleotide variant.
Coding change: c.715A>T on transcript NM_014855.3 (MANE Select); coding-DNA position 715, A replaced by T.
Protein change: p.Asn239Tyr; replaces asparagine 239 with tyrosine.
Molecular consequence: missense variant. On other transcripts: non-coding transcript variant (1).
Genome position (GRCh38, 1-based): chr7:4,784,296, A>T. VCF-style: chr7-4784296-A-T. GRCh37 (hg19) VCF-style: chr7-4823927-A-T.
Other names: c.247A>T, p.Asn83Tyr (NM_001364858.1); short protein forms N239Y, N83Y.
Identifiers: ClinVar variation 1030380 (VCV001030380.1), dbSNP rs1781470617, ClinGen allele CA366660380.
Genomic context (GRCh38, chr7:4,784,296, plus strand): 5'-GCCACAGACTTCTTCACGGTGCTCTCCAGCGGCCACCGCTTCACAGACGACCAGTGGCTG[A>T]ACGTGCAGGCCTTCTCTATGCTGCGGGCGTGGCTGCTGCACAGCGGCCCCGAGGGCCCGG-3'
Protein context (NP_055670.1, residues 229-249): GHRFTDDQWL[Asn239Tyr]VQAFSMLRAW

ClinVar aggregate classification (germline): Uncertain significance (1 of 4 stars; one submission).

Conditions:
Hereditary spastic paraplegia 48. Also called: SPASTIC PARAPLEGIA 48, AUTOSOMAL RECESSIVE; Spastic paraplegia 48. Identifiers: Orphanet 306511, MedGen C3150901, MONDO:0013342, OMIM 613647.

Submission:

Baylor Genetics
Classification: Uncertain significance for Hereditary spastic paraplegia 48. Last evaluated: 2020-01-20. Review status: criteria provided, single submitter. Criteria: ACMG Guidelines, 2015. Collection method: clinical testing. Allele origin: unknown. Affected: yes.
Comment: This variant was determined to be of uncertain significance according to ACMG Guidelines, 2015 [PMID:25741868].